The following is an entry in ClinVar:

NM_004006.3(DMD):c.755A>G (p.Glu252Gly)

Gene: DMD (dystrophin; minus strand). Cytogenetic location: Xp21.1.
Variant type: single nucleotide variant.
Coding change: c.755A>G on transcript NM_004006.3 (MANE Select); coding-DNA position 755, A replaced by G.
Protein change: p.Glu252Gly; replaces glutamic acid 252 with glycine.
Molecular consequence: missense variant.
Genome position (GRCh38, 1-based): chrX:32,699,188, T>C on the plus strand (A>G on the coding strand, the complement: DMD is on the minus strand). VCF-style: chrX-32699188-T-C. GRCh37 (hg19) VCF-style: chrX-32717305-T-C.
Other names: c.731A>G, p.Glu244Gly (NM_000109.4); c.743A>G, p.Glu248Gly (NM_004009.3); c.386A>G, p.Glu129Gly (NM_004010.3); short protein forms E129G, E244G, E248G, E252G.
Identifiers: ClinVar variation 1712107 (VCV001712107.2), dbSNP rs2521187986, ClinGen allele CA412668954.

ClinVar aggregate classification (germline): Uncertain significance (1 of 4 stars; one submission).

Submission:

GeneDx
Classification: Uncertain significance. Last evaluated: 2022-04-20. Review status: criteria provided, single submitter. Criteria: GeneDx Variant Classification Process June 2021. Collection method: clinical testing. Allele origin: germline. Affected: yes.
Comment: Not observed at significant frequency in large population cohorts (gnomAD); In silico analysis supports that this missense variant has a deleterious effect on protein structure/function; Has not been previously published as pathogenic or benign to our knowledge